The following is an entry in ClinVar:

ClinVar aggregate classification (germline): Uncertain significance. Review status: criteria provided, multiple submitters, no conflicts (2 of 4 stars). 2 submissions from 2 submitters: Uncertain significance (2). Last evaluated 2025-10-14.

Conditions:
Progressive myoclonic epilepsy type 9. Identifiers: Orphanet 457265, MedGen C4225289, MONDO:0014685, OMIM 616540.
Lipodystrophy, partial, acquired, susceptibility to (APLD). Also called: APLD, SUSCEPTIBILITY TO. Identifiers: MedGen C3887501, MONDO:0100476, OMIM 608709.

gnomAD v4.1: 16 of 1,613,874 alleles (0.00099%); highest among the groups gnomAD compares: South Asian, 0.0022%; no homozygotes.

Submissions (2):

Ambry Genetics
Classification: Uncertain significance. Last evaluated: 2025-10-14. Review status: criteria provided, single submitter. Criteria: Ambry Variant Classification Scheme 2023. Collection method: clinical testing. Allele origin: germline.

Labcorp Genetics (formerly Invitae), Labcorp
Classification: Uncertain significance for Progressive myoclonic epilepsy type 9; Lipodystrophy, partial, acquired, susceptibility to. Last evaluated: 2024-08-13. Review status: criteria provided, single submitter. Criteria: Invitae Variant Classification Sherloc (09022015). Collection method: clinical testing. Allele origin: germline.
Comment: This sequence change replaces glutamic acid, which is acidic and polar, with lysine, which is basic and polar, at codon 188 of the LMNB2 protein (p.Glu188Lys). This variant is present in population databases (rs769178156, gnomAD 0.003%). This variant has not been reported in the literature in individuals affected with LMNB2-related conditions. Advanced modeling of protein sequence and biophysical properties (such as structural, functional, and spatial information, amino acid conservation, physicochemical variation, residue mobility, and thermodynamic stability) performed at Invitae indicates that this missense variant is not expected to disrupt LMNB2 protein function with a negative predictive value of 80%. In summary, the available evidence is currently insufficient to determine the role of this variant in disease. Therefore, it has been classified as a Variant of Uncertain Significance.

NM_032737.4(LMNB2):c.562G>A (p.Glu188Lys)

Gene: LMNB2 (lamin B2; minus strand). Cytogenetic location: 19p13.3.
Variant type: single nucleotide variant.
Coding change: c.562G>A on transcript NM_032737.4 (MANE Select); coding-DNA position 562, G replaced by A.
Protein change: p.Glu188Lys; replaces glutamic acid 188 with lysine.
Molecular consequence: missense variant.
Genome position (GRCh38, 1-based): chr19:2,438,285, C>T on the plus strand (G>A on the coding strand, the complement: LMNB2 is on the minus strand). VCF-style: chr19-2438285-C-T. GRCh37 (hg19) VCF-style: chr19-2438283-C-T.
Other names: c.502G>A (NM_032737.2); short protein forms E188K.
Identifiers: ClinVar variation 3753228 (VCV003753228.3).